The following is an entry in ClinVar:

ClinVar aggregate classification (germline): Uncertain significance. Review status: criteria provided, multiple submitters, no conflicts (2 of 4 stars). 2 submissions from 2 submitters: Uncertain significance (2). Last evaluated 2024-03-06.

Conditions:
Cardiomyopathy (CMYO). Also called: Cardiomyopathies. Identifiers: Orphanet 167848, MedGen C0878544, MONDO:0004994, HP:0001638. Inheritance: Various modes of inheritance.
Hypertrophic cardiomyopathy 10. Also called: CARDIOMYOPATHY, HYPERTROPHIC, MID-LEFT VENTRICULAR CHAMBER TYPE, 2; MYL2-Related Familial Hypertrophic Cardiomyopathy. Identifiers: MedGen C1834460, MONDO:0012112, OMIM 608758.

Allele frequency attached by ClinVar (database versions not stated): gnomAD exomes below 0.00001; ExAC 0.00001.

Submissions (2):

Color Diagnostics, LLC DBA Color Health
Classification: Uncertain significance for Cardiomyopathy. Last evaluated: 2024-03-06. Review status: criteria provided, single submitter. Criteria: ACMG Guidelines, 2015. Collection method: clinical testing. Allele origin: germline.
Comment: This missense variant replaces isoleucine with valine at codon 159 of the MYL2 protein. Computational prediction is inconclusive regarding the impact of this variant on protein structure and function (internally defined REVEL score threshold 0.5 < inconclusive < 0.7, PMID: 27666373). Splice site prediction tools suggest that this variant may not impact RNA splicing. To our knowledge, functional studies have not been performed for this variant. This variant has not been reported in individuals affected with cardiovascular disorders in the literature. This variant has been identified in 1/249622 chromosomes in the general population by the Genome Aggregation Database (gnomAD). The available evidence is insufficient to determine the role of this variant in disease conclusively. Therefore, this variant is classified as a Variant of Uncertain Significance.

Labcorp Genetics (formerly Invitae), Labcorp
Classification: Uncertain significance for Hypertrophic cardiomyopathy 10. Last evaluated: 2021-06-17. Review status: criteria provided, single submitter. Criteria: Invitae Variant Classification Sherloc (09022015). Collection method: clinical testing. Allele origin: germline.
Comment: Algorithms developed to predict the effect of missense changes on protein structure and function are either unavailable or do not agree on the potential impact of this missense change (SIFT: "Deleterious"; PolyPhen-2: "Probably Damaging"; Align-GVGD: "Class C15"). This sequence change replaces isoleucine with valine at codon 159 of the MYL2 protein (p.Ile159Val). The isoleucine residue is highly conserved and there is a small physicochemical difference between isoleucine and valine. This variant is present in population databases (rs747098269, ExAC 0.001%). This variant has not been reported in the literature in individuals with MYL2-related conditions. ClinVar contains an entry for this variant (Variation ID: 921552). In summary, the available evidence is currently insufficient to determine the role of this variant in disease. Therefore, it has been classified as a Variant of Uncertain Significance.

NM_000432.4(MYL2):c.475A>G (p.Ile159Val)

Gene: MYL2 (myosin light chain 2; minus strand). Cytogenetic location: 12q24.11.
Variant type: single nucleotide variant.
Coding change: c.475A>G on transcript NM_000432.4 (MANE Select); coding-DNA position 475, A replaced by G.
Protein change: p.Ile159Val; replaces isoleucine 159 with valine.
Molecular consequence: missense variant.
Genome position (GRCh38, 1-based): chr12:110,911,103, T>C on the plus strand (A>G on the coding strand, the complement: MYL2 is on the minus strand). VCF-style: chr12-110911103-T-C. GRCh37 (hg19) VCF-style: chr12-111348907-T-C.
Other names: short protein forms I159V.
Identifiers: ClinVar variation 921552 (VCV000921552.12), dbSNP rs747098269, ClinGen allele CA043353.
Genomic context (GRCh38, chr12:110,911,103, plus strand): 5'-AAGACGAGCCCAGGGCGCAGCAGCGAGCCCCCTCCTAGTCCTTCTCTTCTCCGTGGGTGA[T>C]GATGTGCACCAGGTTCTTGTAGTCCAAGTTGCCAGTCACGTCAGGGGGGAAGGCGGCGAA-3'
Protein context (NP_000423.2, residues 149-166): NLDYKNLVHI[Ile159Val]THGEEKD